The following is an entry in ClinVar:

ClinVar aggregate classification (germline): Uncertain significance (1 of 4 stars; one submission).

Conditions:
Charcot-Marie-Tooth disease type 2. Also called: Charcot-Marie-Tooth type 2. Identifiers: Orphanet 64746, MedGen C0270914, MONDO:0018993.

Submission:

Labcorp Genetics (formerly Invitae), Labcorp
Classification: Uncertain significance for Charcot-Marie-Tooth disease type 2. Last evaluated: 2025-12-28. Review status: criteria provided, single submitter. Criteria: Invitae Variant Classification Sherloc (09022015). Collection method: clinical testing. Allele origin: germline.
Comment: This sequence change replaces alanine, which is neutral and non-polar, with threonine, which is neutral and polar, at codon 347 of the AARS protein (p.Ala347Thr). This variant is not present in population databases (gnomAD no frequency). This variant has not been reported in the literature in individuals affected with AARS-related conditions. Invitae Evidence Modeling of protein sequence and biophysical properties (such as structural, functional, and spatial information, amino acid conservation, physicochemical variation, residue mobility, and thermodynamic stability) indicates that this missense variant is not expected to disrupt AARS protein function with a negative predictive value of 95%. In summary, the available evidence is currently insufficient to determine the role of this variant in disease. Therefore, it has been classified as a Variant of Uncertain Significance.

NM_001605.3(AARS1):c.1039G>A (p.Ala347Thr)

Gene: AARS1 (alanyl-tRNA synthetase 1; minus strand). Cytogenetic location: 16q22.1.
Variant type: single nucleotide variant.
Coding change: c.1039G>A on transcript NM_001605.3 (MANE Select); coding-DNA position 1039, G replaced by A.
Protein change: p.Ala347Thr; replaces alanine 347 with threonine.
Molecular consequence: missense variant.
Genome position (GRCh38, 1-based): chr16:70,268,303, C>T on the plus strand (G>A on the coding strand, the complement: AARS1 is on the minus strand). VCF-style: chr16-70268303-C-T. GRCh37 (hg19) VCF-style: chr16-70302206-C-T.
Other names: short protein forms A347T.
Identifiers: ClinVar variation 4806801 (VCV004806801.1).
Genomic context (GRCh38, chr16:70,268,303, plus strand): 5'-AGAAGGGTAAGCAGAGAAATAAACCTACCAGGGACTGGACGACAACATCCACTAACGTAG[C>T]AAAGAAGCCCCTGCTGGCATTGAGCTTTTCATGGGCGTATCGGACAGCTCGGCGGAGAAT-3'
Protein context (NP_001596.2, residues 337-357): EKLNASRGFF[Ala347Thr]TLVDVVVQSL